The following is an entry in ClinVar:

ClinVar aggregate classification (germline): Uncertain significance. Review status: criteria provided, multiple submitters, no conflicts (2 of 4 stars). 3 submissions from 3 submitters: Uncertain significance (2). 1 of the submissions does not count toward it. Last evaluated 2024-06-27.

Conditions:
ABCA2-related disorder. Also called: ABCA2-related condition.
Intellectual developmental disorder with poor growth and with or without seizures or ataxia. Identifiers: MedGen C5394135, MONDO:0032930, OMIM 618808.

Submissions (3):

Revvity Omics, Revvity
Classification: Uncertain significance for Intellectual developmental disorder with poor growth and with or without seizures or ataxia. Last evaluated: 2024-06-27. Review status: criteria provided, single submitter. Criteria: ACMG Guidelines, 2015. Collection method: clinical testing. Allele origin: germline.

Blueprint Genetics
Classification: Uncertain significance. Last evaluated: 2023-06-21. Review status: criteria provided, single submitter. Criteria: ACMG Guidelines, 2015. Collection method: clinical testing. Allele origin: germline.

PreventionGenetics, part of Exact Sciences
Classification: Uncertain significance for ABCA2-related condition. Last evaluated: 2024-07-31. Review status: no assertion criteria provided. Collection method: clinical testing. Allele origin: germline. Not counted in ClinVar's aggregate classification.
Comment: The ABCA2 c.431G>A variant is predicted to result in the amino acid substitution p.Arg144Gln. To our knowledge, this variant has not been reported in the literature. This variant is reported in 0.025% of alleles in individuals of Latino descent in gnomAD. At this time, the clinical significance of this variant is uncertain due to the absence of conclusive functional and genetic evidence.

NM_001606.5(ABCA2):c.341G>A (p.Arg114Gln)

Gene: ABCA2 (ATP binding cassette subfamily A member 2; minus strand). Cytogenetic location: 9q34.3.
Variant type: single nucleotide variant.
Coding change: c.341G>A on transcript NM_001606.5 (MANE Select); coding-DNA position 341, G replaced by A.
Protein change: p.Arg114Gln; replaces arginine 114 with glutamine.
Molecular consequence: missense variant.
Genome position (GRCh38, 1-based): chr9:137,022,800, C>T on the plus strand (G>A on the coding strand, the complement: ABCA2 is on the minus strand). VCF-style: chr9-137022800-C-T. GRCh37 (hg19) VCF-style: chr9-139917252-C-T.
Other names: c.338G>A, p.Arg113Gln (NM_001411042.1); c.431G>A, p.Arg144Gln (NM_212533.3); short protein forms R113Q, R114Q, R144Q.
Identifiers: ClinVar variation 3353111 (VCV003353111.3).